The following is an entry in ClinVar:

ClinVar aggregate classification (germline): Likely pathogenic. Review status: criteria provided, multiple submitters, no conflicts (2 of 4 stars). 2 submissions from 2 submitters: Likely pathogenic (2). Last evaluated 2020-05-15.

Conditions:
Hyper-IgM syndrome type 1. Also called: CD40 Ligand Deficiency; Hyper-IgM Immunodeficiency Syndrome, Type 1; X-linked hyper-IgM syndrome; Immunodeficiency, X-linked, with hyper-IgM. Identifiers: Orphanet 101088, MedGen C0398689, MONDO:0010626, OMIM 308230.

Submissions (2):

Labcorp Genetics (formerly Invitae), Labcorp
Classification: Likely pathogenic for Hyper-IgM syndrome type 1. Last evaluated: 2020-05-15. Review status: criteria provided, single submitter. Criteria: Invitae Variant Classification Sherloc (09022015). Collection method: clinical testing. Allele origin: germline.
Comment: This sequence change replaces phenylalanine with serine at codon 256 of the CD40LG protein (p.Phe256Ser). The phenylalanine residue is highly conserved and there is a large physicochemical difference between phenylalanine and serine. This variant is not present in population databases (ExAC no frequency). This variant has been observed in individual(s) with hyper-IgM syndrome (PMID: 25215306, 26997321, Invitae). ClinVar contains an entry for this variant (Variation ID: 381653). Algorithms developed to predict the effect of missense changes on protein structure and function (SIFT, PolyPhen-2, Align-GVGD) all suggest that this variant is likely to be disruptive, but these predictions have not been confirmed by published functional studies and their clinical significance is uncertain. In summary, the currently available evidence indicates that the variant is pathogenic, but additional data are needed to prove that conclusively. Therefore, this variant has been classified as Likely Pathogenic.

GeneDx
Classification: Likely pathogenic. Last evaluated: 2016-10-11. Review status: criteria provided, single submitter. Criteria: GeneDx Variant Classification (06012015). Collection method: clinical testing. Allele origin: germline. Affected: yes.
Comment: The F256S variant in the CD40LG gene has been reported previously in association with hyper IgM syndrome (Wang et al., 2014; Kojima et al., 2016). The F256S variant was not observed in approximately 6,500 individuals of European and African American ancestry in the NHLBI Exome Sequencing Project, indicating it is not a common benign variant in these populations. The F256S variant is a non-conservative amino acid substitution, which is likely to impact secondary protein structure as these residues differ in polarity, charge, size and/or other properties. This substitution occurs at a position that is conserved across species. In silico analysis predicts this variant is probably damaging to the protein structure/function. Missense variants in nearby residues (G252D, F253I, T254M, G257S, G257D, G257V, L258S) have been reported in the Human Gene Mutation Database in association with hyper IgM syndrome (Stenson et al., 2014), supporting the functional importance of this region of the protein. The F256S variant is a strong candidate for a pathogenic variant, however the possibility it may be a rare benign variant cannot be excluded.

Literature cited by the submitters: PubMed 25215306 (cited by Labcorp Genetics (formerly Invitae), Labcorp); PubMed 26997321 (cited by Labcorp Genetics (formerly Invitae), Labcorp).

NM_000074.3(CD40LG):c.767T>C (p.Phe256Ser)

Gene: CD40LG (CD40 ligand; plus strand). Cytogenetic location: Xq26.3.
Variant type: single nucleotide variant.
Coding change: c.767T>C on transcript NM_000074.3 (MANE Select); coding-DNA position 767, T replaced by C.
Protein change: p.Phe256Ser; replaces phenylalanine 256 with serine.
Molecular consequence: missense variant.
Genome position (GRCh38, 1-based): chrX:136,659,396, T>C. VCF-style: chrX-136659396-T-C. GRCh37 (hg19) VCF-style: chrX-135741555-T-C.
Other names: short protein forms F256S.
Identifiers: ClinVar variation 381653 (VCV000381653.11), dbSNP rs1057521128, ClinGen allele CA16608289.
Genomic context (GRCh38, chrX:136,659,396, plus strand): 5'-CGGTGTTTGTCAATGTGACTGATCCAAGCCAAGTGAGCCATGGCACTGGCTTCACGTCCT[T>C]TGGCTTACTCAAACTCTGAACAGTGTCACCTTGCAGGCTGTGGTGGAGCTGACGCTGGGA-3'
Protein context (NP_000065.1, residues 246-261): QVSHGTGFTS[Phe256Ser]GLLKL